The following is an entry in ClinVar:

ClinVar aggregate classification (germline): Conflicting classifications of pathogenicity. Review status: criteria provided, conflicting classifications (1 of 4 stars). 5 submissions from 5 submitters: Uncertain significance (4); Likely benign (1). Last evaluated 2025-05-22.

Conditions:
Branchiooculofacial syndrome (BOFS). Also called: Branchio-Oculo-Facial Syndrome; HEMANGIOMATOUS BRANCHIAL CLEFTS-LIP PSEUDOCLEFT SYNDROME; LIP PSEUDOCLEFT-HEMANGIOMATOUS BRANCHIAL CYST SYNDROME; BOF SYNDROME. Identifiers: Orphanet 1297, MedGen C0376524, MeSH D019280, MONDO:0007235, OMIM 113620.
Inborn genetic diseases. Identifiers: MedGen C0950123, MeSH D030342.

Allele frequency attached by ClinVar (database versions not stated): gnomAD exomes 0.00004; ExAC 0.00007; gnomAD 0.00015 and 0.00018; TOPMed 0.00022; ESP Exome Variant Server 0.00031.
gnomAD v4.1: 41 of 1,612,402 alleles (0.0025%); highest among the groups gnomAD compares: African/African-American, 0.05%; no homozygotes.

Submissions (5):

Labcorp Genetics (formerly Invitae), Labcorp
Classification: Uncertain significance. Last evaluated: 2025-05-22. Review status: criteria provided, single submitter. Criteria: Invitae Variant Classification Sherloc (09022015). Collection method: clinical testing. Allele origin: germline.
Comment: This sequence change replaces proline, which is neutral and non-polar, with leucine, which is neutral and non-polar, at codon 84 of the TFAP2A protein (p.Pro84Leu). This variant is present in population databases (rs200131527, gnomAD 0.06%), and has an allele count higher than expected for a pathogenic variant. This variant has not been reported in the literature in individuals affected with TFAP2A-related conditions. ClinVar contains an entry for this variant (Variation ID: 391707). Invitae Evidence Modeling of protein sequence and biophysical properties (such as structural, functional, and spatial information, amino acid conservation, physicochemical variation, residue mobility, and thermodynamic stability) indicates that this missense variant is not expected to disrupt TFAP2A protein function with a negative predictive value of 80%. In summary, the available evidence is currently insufficient to determine the role of this variant in disease. Therefore, it has been classified as a Variant of Uncertain Significance.

GeneDx
Classification: Uncertain significance. Last evaluated: 2022-12-23. Review status: criteria provided, single submitter. Criteria: GeneDx Variant Classification Process June 2021. Collection method: clinical testing. Allele origin: germline. Affected: yes.
Comment: In silico analysis supports that this missense variant has a deleterious effect on protein structure/function; Has not been previously published as pathogenic or benign to our knowledge

Blueprint Genetics
Classification: Likely benign. Last evaluated: 2022-06-22. Review status: criteria provided, single submitter. Criteria: ACMG Guidelines, 2015. Collection method: clinical testing. Allele origin: germline.

Fulgent Genetics
Classification: Uncertain significance for Branchiooculofacial syndrome. Last evaluated: 2022-05-06. Review status: criteria provided, single submitter. Criteria: ACMG Guidelines, 2015. Collection method: clinical testing. Allele origin: unknown.

Ambry Genetics
Classification: Uncertain significance for Inborn genetic diseases. Last evaluated: 2022-03-03. Review status: criteria provided, single submitter. Criteria: Ambry Variant Classification Scheme 2023. Collection method: clinical testing. Allele origin: germline.

NM_001372066.1(TFAP2A):c.257C>T (p.Pro86Leu)

Gene: TFAP2A (transcription factor AP-2 alpha; minus strand). Cytogenetic location: 6p24.3.
Variant type: single nucleotide variant.
Coding change: c.257C>T on transcript NM_001372066.1 (MANE Select); coding-DNA position 257, C replaced by T.
Protein change: p.Pro86Leu; replaces proline 86 with leucine.
Molecular consequence: missense variant.
Genome position (GRCh38, 1-based): chr6:10,410,130, G>A on the plus strand (C>T on the coding strand, the complement: TFAP2A is on the minus strand). VCF-style: chr6-10410130-G-A. GRCh37 (hg19) VCF-style: chr6-10410363-G-A.
Other names: NM_003220.2:c.251C>T; c.233C>T, p.Pro78Leu (NM_001032280.3); c.239C>T, p.Pro80Leu (NM_001042425.3); short protein forms P78L, P80L, P86L.
Identifiers: ClinVar variation 391707 (VCV000391707.10), dbSNP rs200131527, ClinGen allele CA3631370.